The following is an entry in ClinVar:

ClinVar aggregate classification (germline): Uncertain significance (1 of 4 stars; one submission).

gnomAD v4.1: 1 of 1,612,354 alleles (0.000062%); highest among the groups gnomAD compares: Non-Finnish European, 0.000085%; no homozygotes.

Submission:

Labcorp Genetics (formerly Invitae), Labcorp
Classification: Uncertain significance. Last evaluated: 2022-10-30. Review status: criteria provided, single submitter. Criteria: Invitae Variant Classification Sherloc (09022015). Collection method: clinical testing. Allele origin: germline.
Comment: Algorithms developed to predict the effect of sequence changes on RNA splicing suggest that this variant may create or strengthen a splice site. In summary, the available evidence is currently insufficient to determine the role of this variant in disease. Therefore, it has been classified as a Variant of Uncertain Significance. Advanced modeling of protein sequence and biophysical properties (such as structural, functional, and spatial information, amino acid conservation, physicochemical variation, residue mobility, and thermodynamic stability) performed at Invitae indicates that this missense variant is not expected to disrupt PTDSS1 protein function. This variant has not been reported in the literature in individuals affected with PTDSS1-related conditions. This variant is not present in population databases (gnomAD no frequency). This sequence change replaces isoleucine, which is neutral and non-polar, with methionine, which is neutral and non-polar, at codon 50 of the PTDSS1 protein (p.Ile50Met).

NM_014754.3(PTDSS1):c.150C>G (p.Ile50Met)

Gene: PTDSS1 (phosphatidylserine synthase 1; plus strand). Cytogenetic location: 8q22.1.
Variant type: single nucleotide variant.
Coding change: c.150C>G on transcript NM_014754.3 (MANE Select); coding-DNA position 150, C replaced by G.
Protein change: p.Ile50Met; replaces isoleucine 50 with methionine.
Molecular consequence: missense variant. On other transcripts: 5 prime UTR variant (1).
Genome position (GRCh38, 1-based): chr8:96,262,190, C>G. VCF-style: chr8-96262190-C-G. GRCh37 (hg19) VCF-style: chr8-97274418-C-G.
Other names: c.-119C>G (NM_001290225.2); short protein forms I50M.
Identifiers: ClinVar variation 2867932 (VCV002867932.3), dbSNP rs1810414505, ClinGen allele CA371752973.
Genomic context (GRCh38, chr8:96,262,190, plus strand): 5'-GGACATCACCATTGACTTCTTCTACCGGCCGCATACCATCACCCTGCTCAGCTTCACCAT[C>G]GTCAGCCTCATGTACTTCGCCTTTACCAGGTGGGGCGGCCCAGCCGAGCGGGGGGCGCGT-3'
Protein context (NP_055569.1, residues 40-60): PHTITLLSFT[Ile50Met]VSLMYFAFTR